The following is an entry in ClinVar:

ClinVar aggregate classification (germline): Uncertain significance. Review status: criteria provided, multiple submitters, no conflicts (2 of 4 stars). 3 submissions from 3 submitters: Uncertain significance (3). Last evaluated 2026-03-01.

Conditions:
Inborn genetic diseases. Identifiers: MedGen C0950123, MeSH D030342.

Allele frequency attached by ClinVar (database versions not stated): gnomAD exomes 0.00001.
gnomAD v4.1: 17 of 1,614,160 alleles (0.0011%); highest among the groups gnomAD compares: African/African-American, 0.0013%; no homozygotes.

Submissions (3):

CeGaT Center for Human Genetics Tuebingen
Classification: Uncertain significance. Last evaluated: 2026-03-01. Review status: criteria provided, single submitter. Criteria: CeGaT Center For Human Genetics Tuebingen Variant Classification Criteria Version 2. Collection method: clinical testing. Allele origin: germline. Affected: yes. Observed: 1 variant allele.
Comment: MYH2: PM2

Ambry Genetics
Classification: Uncertain significance for Inborn genetic diseases. Last evaluated: 2025-06-10. Review status: criteria provided, single submitter. Criteria: Ambry Variant Classification Scheme 2023. Collection method: clinical testing. Allele origin: germline.

GeneDx
Classification: Uncertain significance. Last evaluated: 2020-05-08. Review status: criteria provided, single submitter. Criteria: GeneDx Variant Classification Process June 2021. Collection method: clinical testing. Allele origin: germline. Affected: yes.
Comment: Not observed in large population cohorts (Lek et al., 2016); In silico analysis supports that this missense variant has a deleterious effect on protein structure/function; Has not been previously published as pathogenic or benign to our knowledge

NM_017534.6(MYH2):c.5749G>A (p.Asp1917Asn)

Genes: MYH2 (myosin heavy chain 2; minus strand), MYHAS (myosin heavy chain gene cluster antisense RNA; plus strand). Cytogenetic location: 17p13.1.
Variant type: single nucleotide variant.
Coding change: c.5749G>A on transcript NM_017534.6 (MANE Select); coding-DNA position 5749, G replaced by A.
Protein change: p.Asp1917Asn; replaces aspartic acid 1917 with asparagine.
Molecular consequence: missense variant.
Genome position (GRCh38, 1-based): chr17:10,521,357, C>T on the plus strand (G>A on the coding strand, the complement: MYH2 is on the minus strand). VCF-style: chr17-10521357-C-T. GRCh37 (hg19) VCF-style: chr17-10424674-C-T.
Other names: c.5749G>A, p.Asp1917Asn (NM_001100112.2); short protein forms D1917N.
Identifiers: ClinVar variation 546279 (VCV000546279.8), dbSNP rs1051054791, ClinGen allele CA287733294.
Genomic context (GRCh38, chr17:10,521,357, plus strand): 5'-CTTTTGTGTGAACCTCCCGGCTCTTCACCCGCAGTTTGTTCACCTGGGACTCAGCAATGT[C>T]AGCCCGTTCCTCGGCCTCCTCCAGCTCATGCTGGAGCTTGCGGAATTTAGCTAGATTGGT-3'
Protein context (NP_060004.3, residues 1907-1927): HELEEAEERA[Asp1917Asn]IAESQVNKLR